The following is an entry in ClinVar:

NM_025114.4(CEP290):c.4151G>A (p.Arg1384His)

Gene: CEP290 (centrosomal protein 290; minus strand). Cytogenetic location: 12q21.32.
Variant type: single nucleotide variant.
Coding change: c.4151G>A on transcript NM_025114.4 (MANE Select); coding-DNA position 4151, G replaced by A.
Protein change: p.Arg1384His; replaces arginine 1384 with histidine.
Molecular consequence: missense variant.
Genome position (GRCh38, 1-based): chr12:88,087,823, C>T on the plus strand (G>A on the coding strand, the complement: CEP290 is on the minus strand). VCF-style: chr12-88087823-C-T. GRCh37 (hg19) VCF-style: chr12-88481600-C-T.
Other names: short protein forms R1384H.
Identifiers: ClinVar variation 310602 (VCV000310602.10), dbSNP rs143152287, ClinGen allele CA6712022.

ClinVar aggregate classification (germline): Conflicting classifications of pathogenicity. Review status: criteria provided, conflicting classifications (1 of 4 stars). 9 submissions from 5 submitters: Uncertain significance (7); Likely benign (1). 1 of the submissions does not count toward it. Last evaluated 2026-04-04.

Conditions:
CEP290-related disorder. Also called: CEP290-related disorders; CEP290-related condition. Identifiers: MedGen CN239314.
Joubert syndrome. Also called: Familial aplasia of the vermis; JOUBERT-BOLTSHAUSER SYNDROME. Identifiers: Orphanet 475, MedGen C5979921, MONDO:0018772.
Meckel-Gruber syndrome. Also called: DYSENCEPHALIA SPLANCHNOCYSTICA; GRUBER SYNDROME; Dysencephalia splachnocystica. Identifiers: Orphanet 564, MedGen C0265215, MONDO:0018921.
Nephronophthisis. Also called: Juvenile Nephronophthisis. Identifiers: Orphanet 655, MedGen C0687120, MONDO:0019005, HP:0000090.
Bardet-Biedl syndrome 14 (BBS14). Identifiers: Orphanet 110, MedGen C2673874, MONDO:0014442, OMIM 615991.
Leber congenital amaurosis (LCA). Also called: Leber's amaurosis. Identifiers: Orphanet 65, MedGen C0339527, MeSH D057130, MONDO:0018998.
Meckel syndrome, type 4 (MKS4). Also called: MECKEL-GRUBER SYNDROME, TYPE 4. Identifiers: Orphanet 564, MedGen C1970161, MONDO:0012626, OMIM 611134.
Leber congenital amaurosis 10 (LCA10). Identifiers: Orphanet 65, MedGen C1857821, MONDO:0012723, OMIM 611755.
Senior-Loken syndrome 6 (SLSN6). Identifiers: Orphanet 3156, MedGen C1857779, MONDO:0012433, OMIM 610189.
Joubert syndrome 5 (JBTS5). Identifiers: Orphanet 2318, MedGen C1857780, MONDO:0012432, OMIM 610188.

Allele frequency attached by ClinVar (database versions not stated): gnomAD exomes 0.00003; gnomAD 0.00004 and 0.00007; ExAC 0.00006; TOPMed 0.00009; 1000 Genomes Project 30x 0.00016; 1000 Genomes Project 0.00020.
gnomAD v4.1: 40 of 1,282,700 alleles (0.0031%); highest among the groups gnomAD compares: Middle Eastern, 0.02%; no homozygotes.

Submissions (9):

PreventionGenetics, part of Exact Sciences
Classification: Uncertain significance for CEP290-related condition. Last evaluated: 2026-04-04. Review status: criteria provided, single submitter. Criteria: ACMG Guidelines, 2015. Collection method: clinical testing. Allele origin: germline.
Comment: The CEP290 c.4151G>A variant is predicted to result in the amino acid substitution p.Arg1384His. This variant has been reported in a fetus with a multisystem ciliopathy-like phenotype and was classified as uncertain (Al-Hamed et al. 2022. PubMed ID: 34853893). A different substitution at this amino acid position has been reported in the homozygous state in a patient with fine motor delay, gross motor delay, speech delay, seizures, abnormal hair, and abnormal pigmentation (p.Arg1384Cys, Supplemental Table, Monies et al. 2017. PubMed ID: 28600779). This variant is reported in 0.0066% of alleles in individuals of European (Non-Finnish) descent in gnomAD. While we suspect this variant may be pathogenic, at this time, the clinical significance of this variant is uncertain due to the absence of conclusive functional and genetic evidence.

Labcorp Genetics (formerly Invitae), Labcorp
Classification: Uncertain significance for Joubert syndrome; Meckel-Gruber syndrome; Nephronophthisis. Last evaluated: 2022-08-23. Review status: criteria provided, single submitter. Criteria: Invitae Variant Classification Sherloc (09022015). Collection method: clinical testing. Allele origin: germline.
Comment: This sequence change replaces arginine, which is basic and polar, with histidine, which is basic and polar, at codon 1384 of the CEP290 protein (p.Arg1384His). This variant is present in population databases (rs143152287, gnomAD 0.007%). This variant has not been reported in the literature in individuals affected with CEP290-related conditions. ClinVar contains an entry for this variant (Variation ID: 310602). Algorithms developed to predict the effect of missense changes on protein structure and function output the following: SIFT: "Tolerated"; PolyPhen-2: "Benign"; Align-GVGD: "Class C0". The histidine amino acid residue is found in multiple mammalian species, which suggests that this missense change does not adversely affect protein function. In summary, the available evidence is currently insufficient to determine the role of this variant in disease. Therefore, it has been classified as a Variant of Uncertain Significance.

Illumina Laboratory Services, Illumina
Classification: Uncertain significance for Meckel syndrome, type 4. Last evaluated: 2018-01-13. Review status: criteria provided, single submitter. Criteria: ICSL Variant Classification Criteria 13 December 2019. Collection method: clinical testing. Allele origin: germline.

Illumina Laboratory Services, Illumina
Classification: Uncertain significance for Joubert syndrome 5. Last evaluated: 2018-01-13. Review status: criteria provided, single submitter. Criteria: ICSL Variant Classification Criteria 13 December 2019. Collection method: clinical testing. Allele origin: germline.

Illumina Laboratory Services, Illumina
Classification: Uncertain significance for Leber congenital amaurosis 10. Last evaluated: 2018-01-13. Review status: criteria provided, single submitter. Criteria: ICSL Variant Classification Criteria 13 December 2019. Collection method: clinical testing. Allele origin: germline.

Illumina Laboratory Services, Illumina
Classification: Uncertain significance for Senior-Loken syndrome 6. Last evaluated: 2018-01-13. Review status: criteria provided, single submitter. Criteria: ICSL Variant Classification Criteria 13 December 2019. Collection method: clinical testing. Allele origin: germline.

Illumina Laboratory Services, Illumina
Classification: Uncertain significance for Bardet-Biedl syndrome 14. Last evaluated: 2018-01-13. Review status: criteria provided, single submitter. Criteria: ICSL Variant Classification Criteria 13 December 2019. Collection method: clinical testing. Allele origin: germline.

GeneDx
Classification: Likely benign. Last evaluated: 2017-06-09. Review status: criteria provided, single submitter. Criteria: GeneDx Variant Classification (06012015). Collection method: clinical testing. Allele origin: germline. Affected: yes.
Comment: This variant is considered likely benign or benign based on one or more of the following criteria: it is a conservative change, it occurs at a poorly conserved position in the protein, it is predicted to be benign by multiple in silico algorithms, and/or has population frequency not consistent with disease.

Natera, Inc.
Classification: Uncertain significance for Leber congenital amaurosis. Last evaluated: 2020-04-17. Review status: no assertion criteria provided. Collection method: clinical testing. Allele origin: germline. Not counted in ClinVar's aggregate classification.